The following is an entry in ClinVar:

ClinVar aggregate classification (germline): Likely benign (1 of 4 stars; one submission).

Submission:

CeGaT Center for Human Genetics Tuebingen
Classification: Likely benign. Last evaluated: 2025-08-01. Review status: criteria provided, single submitter. Criteria: CeGaT Center For Human Genetics Tuebingen Variant Classification Criteria Version 2. Collection method: clinical testing. Allele origin: germline. Affected: yes. Observed: 1 variant allele.
Comment: GPC3: PM2:Supporting, BP4, BP7

NM_004484.4(GPC3):c.678T>G (p.Thr226=)

Gene: GPC3 (glypican 3; minus strand). Cytogenetic location: Xq26.2.
Variant type: single nucleotide variant.
Coding change: c.678T>G on transcript NM_004484.4 (MANE Select); coding-DNA position 678, T replaced by G.
Protein change: p.Thr226=; no amino-acid change (threonine 226 retained).
Molecular consequence: synonymous variant.
Genome position (GRCh38, 1-based): chrX:133,753,836, A>C on the plus strand (T>G on the coding strand, the complement: GPC3 is on the minus strand). VCF-style: chrX-133753836-A-C. GRCh37 (hg19) VCF-style: chrX-132887863-A-C.
Other names: c.678T>G, p.Thr226= (NM_001164617.2); c.630T>G, p.Thr210= (NM_001164618.2); c.516T>G, p.Thr172= (NM_001164619.2).
Identifiers: ClinVar variation 4084759 (VCV004084759.8).